The following is an entry in ClinVar:

NM_001079520.2(DACT1):c.288C>T (p.Arg96=)

Gene: DACT1 (dishevelled binding antagonist of beta catenin 1; plus strand). Cytogenetic location: 14q23.1.
Variant type: single nucleotide variant.
Coding change: c.288C>T on transcript NM_001079520.2 (MANE Select); coding-DNA position 288, C replaced by T.
Protein change: p.Arg96=; no amino-acid change (arginine 96 retained).
Molecular consequence: synonymous variant.
Genome position (GRCh38, 1-based): chr14:58,638,490, C>T. VCF-style: chr14-58638490-C-T. GRCh37 (hg19) VCF-style: chr14-59105208-C-T.
Other names: c.288C>T, p.Arg96= (NM_016651.6).
Identifiers: ClinVar variation 3257108 (VCV003257108.17).

ClinVar aggregate classification (germline): Likely benign (1 of 4 stars; one submission).

gnomAD v4.1: 22 of 1,358,792 alleles (0.0016%); highest among the groups gnomAD compares: East Asian, 0.011%; no homozygotes.

Submission:

CeGaT Center for Human Genetics Tuebingen
Classification: Likely benign. Last evaluated: 2024-07-01. Review status: criteria provided, single submitter. Criteria: CeGaT Center For Human Genetics Tuebingen Variant Classification Criteria Version 2. Collection method: clinical testing. Allele origin: germline. Affected: yes. Observed: 1 variant allele.
Comment: DACT1: BP4, BP7